The following is an entry in ClinVar:

NM_201384.3(PLEC):c.8840C>T (p.Thr2947Met)

Gene: PLEC (plectin; minus strand). Cytogenetic location: 8q24.3.
Variant type: single nucleotide variant.
Coding change: c.8840C>T on transcript NM_201384.3 (MANE Select); coding-DNA position 8840, C replaced by T.
Protein change: p.Thr2947Met; replaces threonine 2947 with methionine.
Molecular consequence: missense variant.
Genome position (GRCh38, 1-based): chr8:143,920,981, G>A on the plus strand (C>T on the coding strand, the complement: PLEC is on the minus strand). VCF-style: chr8-143920981-G-A. GRCh37 (hg19) VCF-style: chr8-144995149-G-A.
Other names: c.8921C>T (NM_000445.3); c.8921C>T, p.Thr2974Met (NM_000445.5); c.8798C>T, p.Thr2933Met (NM_201378.4); c.8774C>T, p.Thr2925Met (NM_201379.3); c.9251C>T, p.Thr3084Met (NM_201380.4); c.8744C>T, p.Thr2915Met (NM_201381.3); c.8840C>T, p.Thr2947Met (NM_201382.4); c.8852C>T, p.Thr2951Met (NM_201383.3); short protein forms T2925M, T2933M, T2915M, T2951M, T2947M, T2974M, T3084M.
Identifiers: ClinVar variation 953146 (VCV000953146.10), dbSNP rs782130064, ClinGen allele CA4925165.

ClinVar aggregate classification (germline): Uncertain significance. Review status: criteria provided, multiple submitters, no conflicts (2 of 4 stars). 3 submissions from 3 submitters: Uncertain significance (3). Last evaluated 2025-04-20.

Conditions:
Epidermolysis bullosa simplex 5C, with pyloric atresia (EBS5C). Also called: PLEC-Related Epidermolysis Bullosa with Pyloric Atresia; Epidermolysis bullosa simplex with pyloric atresia; PLEC1-Related Epidermolysis Bullosa with Pyloric Atresia. Identifiers: Orphanet 158684, MedGen C2677349, MONDO:0012807, OMIM 612138.
Epidermolysis bullosa simplex 5B, with muscular dystrophy (EBS5B). Also called: Epidermolysis bullosa simplex with muscular dystrophy; EPIDERMOLYSIS BULLOSA SIMPLEX AND LIMB-GIRDLE MUSCULAR DYSTROPHY. Identifiers: Orphanet 257, MedGen C2931072, MONDO:0009181, OMIM 226670.
Epidermolysis bullosa simplex, Ogna type (EBS5A). Also called: Pidermolysis bullosa simplex 5A, Ogna type; EPIDERMOLYSIS BULLOSA SIMPLEX 5A, OGNA TYPE. Identifiers: Orphanet 79401, MedGen C0432317, MONDO:0007555, OMIM 131950.
Autosomal recessive limb-girdle muscular dystrophy type 2Q (LGMDR17). Also called: MUSCULAR DYSTROPHY, LIMB-GIRDLE, AUTOSOMAL RECESSIVE 17. Identifiers: Orphanet 254361, MedGen C3150989, MONDO:0013390, OMIM 613723.
Epidermolysis bullosa simplex with nail dystrophy (EBS5D). Identifiers: MedGen C4225309, MONDO:0014661, OMIM 616487.
Inborn genetic diseases. Identifiers: MedGen C0950123, MeSH D030342.

Allele frequency attached by ClinVar (database versions not stated): ExAC 0.00001; gnomAD 0.00003; gnomAD exomes 0.00003; TOPMed 0.00006.
gnomAD v4.1: 49 of 1,612,918 alleles (0.003%); highest among the groups gnomAD compares: Middle Eastern, 0.016%; no homozygotes.

Submissions (3):

Ambry Genetics
Classification: Uncertain significance for Inborn genetic diseases. Last evaluated: 2025-04-20. Review status: criteria provided, single submitter. Criteria: Ambry Variant Classification Scheme 2023. Collection method: clinical testing. Allele origin: germline.

Labcorp Genetics (formerly Invitae), Labcorp
Classification: Uncertain significance for Autosomal recessive limb-girdle muscular dystrophy type 2Q; Epidermolysis bullosa simplex, Ogna type; Epidermolysis bullosa simplex with nail dystrophy; Epidermolysis bullosa simplex 5C, with pyloric atresia; Epidermolysis bullosa simplex 5B, with muscular dystrophy. Last evaluated: 2024-10-18. Review status: criteria provided, single submitter. Criteria: Invitae Variant Classification Sherloc (09022015). Collection method: clinical testing. Allele origin: germline.
Comment: This sequence change replaces threonine, which is neutral and polar, with methionine, which is neutral and non-polar, at codon 2974 of the PLEC protein (p.Thr2974Met). This variant is present in population databases (rs782130064, gnomAD 0.01%). This variant has not been reported in the literature in individuals affected with PLEC-related conditions. ClinVar contains an entry for this variant (Variation ID: 953146). An algorithm developed to predict the effect of missense changes on protein structure and function (PolyPhen-2) suggests that this variant is likely to be disruptive. In summary, the available evidence is currently insufficient to determine the role of this variant in disease. Therefore, it has been classified as a Variant of Uncertain Significance.

GeneDx
Classification: Uncertain significance. Last evaluated: 2023-10-02. Review status: criteria provided, single submitter. Criteria: GeneDx Variant Classification Process June 2021. Collection method: clinical testing. Allele origin: germline. Affected: yes.
Comment: In silico analysis supports that this missense variant has a deleterious effect on protein structure/function; Has not been previously published as pathogenic or benign to our knowledge